The following is an entry in ClinVar:

ClinVar aggregate classification (germline): Uncertain significance (1 of 4 stars; one submission).

Conditions:
Bardet-Biedl syndrome (BBS). Identifiers: Orphanet 110, MedGen C0752166, MONDO:0015229.

Submission:

Labcorp Genetics (formerly Invitae), Labcorp
Classification: Uncertain significance for Bardet-Biedl syndrome. Last evaluated: 2022-03-03. Review status: criteria provided, single submitter. Criteria: Invitae Variant Classification Sherloc (09022015). Collection method: clinical testing. Allele origin: germline.
Comment: In summary, the available evidence is currently insufficient to determine the role of this variant in disease. Therefore, it has been classified as a Variant of Uncertain Significance. Algorithms developed to predict the effect of missense changes on protein structure and function (SIFT, PolyPhen-2, Align-GVGD) all suggest that this variant is likely to be disruptive. This variant has not been reported in the literature in individuals affected with BBS1-related conditions. This variant is not present in population databases (gnomAD no frequency). This sequence change replaces proline, which is neutral and non-polar, with serine, which is neutral and polar, at codon 86 of the BBS1 protein (p.Pro86Ser).

NM_024649.5(BBS1):c.256C>T (p.Pro86Ser)

Gene: BBS1 (Bardet-Biedl syndrome 1; plus strand). Cytogenetic location: 11q13.2.
Variant type: single nucleotide variant.
Coding change: c.256C>T on transcript NM_024649.5 (MANE Select); coding-DNA position 256, C replaced by T.
Protein change: p.Pro86Ser; replaces proline 86 with serine.
Molecular consequence: missense variant.
Genome position (GRCh38, 1-based): chr11:66,514,502, C>T. VCF-style: chr11-66514502-C-T. GRCh37 (hg19) VCF-style: chr11-66281973-C-T.
Other names: short protein forms P86S.
Identifiers: ClinVar variation 1374136 (VCV001374136.8), dbSNP rs2134771356, ClinGen allele CA381456237.